The following is an entry in ClinVar:

NM_004722.4(AP4M1):c.1237C>T (p.Arg413Trp)

Gene: AP4M1 (adaptor related protein complex 4 subunit mu 1; plus strand). Cytogenetic location: 7q22.1.
Variant type: single nucleotide variant.
Coding change: c.1237C>T on transcript NM_004722.4 (MANE Select); coding-DNA position 1237, C replaced by T.
Protein change: p.Arg413Trp; replaces arginine 413 with tryptophan.
Molecular consequence: missense variant.
Genome position (GRCh38, 1-based): chr7:100,106,757, C>T. VCF-style: chr7-100106757-C-T. GRCh37 (hg19) VCF-style: chr7-99704380-C-T.
Other names: c.1258C>T, p.Arg420Trp (NM_001363671.2); c.1237C>T (NM_004722.3); short protein forms R420W, R413W.
Identifiers: ClinVar variation 2065253 (VCV002065253.2), dbSNP rs778562405, ClinGen allele CA4375038.
Genomic context (GRCh38, chr7:100,106,757, plus strand): 5'-CTCTCCACCTCGGCCTCTCCTCTGGGGCTGGGCCCTGCCAGTCTCTCCTTCGAGCTTCCC[C>T]GGCACACGTGCTCTGGCCTCCAGGTCCGATTCCTCAGGCTGGCCTTCAGGCCATGCGGCA-3'
Protein context (NP_004713.2, residues 403-423): GPASLSFELP[Arg413Trp]HTCSGLQVRF

ClinVar aggregate classification (germline): Uncertain significance. Review status: criteria provided, multiple submitters, no conflicts (2 of 4 stars). 2 submissions from 2 submitters: Uncertain significance (2). Last evaluated 2025-09-10.

Conditions:
Inborn genetic diseases. Identifiers: MedGen C0950123, MeSH D030342.
Hereditary spastic paraplegia 50 (SPG50). Also called: Spastic paraplegia 50, autosomal recessive. Identifiers: Orphanet 280763, MedGen C2752008, MONDO:0013048, OMIM 612936.

Allele frequency attached by ClinVar (database versions not stated): TOPMed 0.00003.
gnomAD v4.1: 84 of 1,613,964 alleles (0.0052%); highest among the groups gnomAD compares: Admixed American, 0.0083%; no homozygotes.

Submissions (2):

Ambry Genetics
Classification: Uncertain significance for Inborn genetic diseases. Last evaluated: 2025-09-10. Review status: criteria provided, single submitter. Criteria: Ambry Variant Classification Scheme 2023. Collection method: clinical testing. Allele origin: germline.

Labcorp Genetics (formerly Invitae), Labcorp
Classification: Uncertain significance for Hereditary spastic paraplegia 50. Last evaluated: 2022-08-13. Review status: criteria provided, single submitter. Criteria: Invitae Variant Classification Sherloc (09022015). Collection method: clinical testing. Allele origin: germline.
Comment: This sequence change replaces arginine, which is basic and polar, with tryptophan, which is neutral and slightly polar, at codon 413 of the AP4M1 protein (p.Arg413Trp). This variant is present in population databases (rs778562405, gnomAD 0.01%). This variant has not been reported in the literature in individuals affected with AP4M1-related conditions. Algorithms developed to predict the effect of missense changes on protein structure and function are either unavailable or do not agree on the potential impact of this missense change (SIFT: "Deleterious"; PolyPhen-2: "Possibly Damaging"; Align-GVGD: "Class C0"). In summary, the available evidence is currently insufficient to determine the role of this variant in disease. Therefore, it has been classified as a Variant of Uncertain Significance.